The following is an entry in ClinVar:

ClinVar aggregate classification (germline): Uncertain significance (1 of 4 stars; one submission).

gnomAD v4.1: 1 of 1,208,361 alleles (0.000083%); highest among the groups gnomAD compares: Non-Finnish European, 0.00011%; no homozygotes.

Submission:

Labcorp Genetics (formerly Invitae), Labcorp
Classification: Uncertain significance. Last evaluated: 2025-08-04. Review status: criteria provided, single submitter. Criteria: Invitae Variant Classification Sherloc (09022015). Collection method: clinical testing. Allele origin: germline.
Comment: This sequence change replaces valine, which is neutral and non-polar, with isoleucine, which is neutral and non-polar, at codon 58 of the PGK1 protein (p.Val58Ile). This variant is not present in population databases (gnomAD no frequency). This variant has not been reported in the literature in individuals affected with PGK1-related conditions. Invitae Evidence Modeling of protein sequence and biophysical properties (such as structural, functional, and spatial information, amino acid conservation, physicochemical variation, residue mobility, and thermodynamic stability) indicates that this missense variant is not expected to disrupt PGK1 protein function with a negative predictive value of 80%. In summary, the available evidence is currently insufficient to determine the role of this variant in disease. Therefore, it has been classified as a Variant of Uncertain Significance.

NM_000291.4(PGK1):c.172G>A (p.Val58Ile)

Gene: PGK1 (phosphoglycerate kinase 1; plus strand). Cytogenetic location: Xq21.1.
Variant type: single nucleotide variant.
Coding change: c.172G>A on transcript NM_000291.4 (MANE Select); coding-DNA position 172, G replaced by A.
Protein change: p.Val58Ile; replaces valine 58 with isoleucine.
Molecular consequence: missense variant.
Genome position (GRCh38, 1-based): chrX:78,113,799, G>A. VCF-style: chrX-78113799-G-A. GRCh37 (hg19) VCF-style: chrX-77369296-G-A.
Other names: short protein forms V58I.
Identifiers: ClinVar variation 4742471 (VCV004742471.1).